The following is an entry in ClinVar:

NM_152564.5(VPS13B):c.991C>T (p.Gln331Ter)

Gene: VPS13B (vacuolar protein sorting 13 homolog B; plus strand). Cytogenetic location: 8q22.2.
Variant type: single nucleotide variant.
Coding change: c.991C>T on transcript NM_152564.5 (MANE Select); coding-DNA position 991, C replaced by T.
Protein change: p.Gln331Ter; replaces glutamine 331 with a stop codon.
Molecular consequence: nonsense. On other transcripts: non-coding transcript variant (1).
Genome position (GRCh38, 1-based): chr8:99,121,230, C>T. VCF-style: chr8-99121230-C-T. GRCh37 (hg19) VCF-style: chr8-100133458-C-T.
Other names: c.991C>T, p.Gln331Ter (NM_015243.3, NM_017890.5, NM_181661.3); short protein forms Q331*.
Identifiers: ClinVar variation 5003963 (VCV005003963.1).

ClinVar aggregate classification (germline): Pathogenic (1 of 4 stars; one submission).

Conditions:
Cohen syndrome (COH1). Also called: Cutis verticis gyrata, retinitis pigmentosa, and sensorineural deafness; PEPPER SYNDROME. Identifiers: Orphanet 193, MedGen C0265223, MONDO:0008999, OMIM 216550.

Submission:

Myriad Genetics, Inc.
Classification: Pathogenic for Cohen syndrome. Last evaluated: 2026-07-28. Review status: criteria provided, single submitter. Criteria: Myriad Autosomal Dominant, Autosomal Recessive and X-Linked Classification Criteria (2023). Collection method: clinical testing. Allele origin: unknown.
Comment: NM_017890.4(VPS13B):c.991C>T(Q331*) is a nonsense variant classified as pathogenic in the context of Cohen syndrome. Q331* has not been observed in cases with relevant disease. Relevant functional assessments of this variant are not available in the literature. Q331* has not been observed in referenced population frequency databases. In summary, NM_017890.4(VPS13B):c.991C>T(Q331*) is a nonsense variant in a gene where loss of function is a known mechanism of disease and is predicted to disrupt protein function. Please note: this variant was assessed in the context of healthy population screening.